The following is an entry in ClinVar:

NM_021930.6(RINT1):c.1550G>C (p.Arg517Thr)

Gene: RINT1 (RAD50 interactor 1; plus strand). Cytogenetic location: 7q22.3.
Variant type: single nucleotide variant.
Coding change: c.1550G>C on transcript NM_021930.6 (MANE Select); coding-DNA position 1550, G replaced by C.
Protein change: p.Arg517Thr; replaces arginine 517 with threonine.
Molecular consequence: missense variant.
Genome position (GRCh38, 1-based): chr7:105,555,106, G>C. VCF-style: chr7-105555106-G-C. GRCh37 (hg19) VCF-style: chr7-105195553-G-C.
Other names: c.1316G>C, p.Arg439Thr (NM_001346599.2); c.527G>C, p.Arg176Thr (NM_001346600.2, NM_001346603.2); c.626G>C, p.Arg209Thr (NM_001346601.2); short protein forms R439T, R209T, R176T, R517T.
Identifiers: ClinVar variation 1775051 (VCV001775051.2), dbSNP rs2133426611, ClinGen allele CA368811589.
Genomic context (GRCh38, chr7:105,555,106, plus strand): 5'-CCACAGCTTCCCGAAAGCTTCAGTTCCTGGAGTTACAGAAGGACTTAGTAGATGATTTTA[G>C]GATACGATTAACACAAGTGATGAAAGAAGAGACTAGAGCTTCCCTTGGCTTTCGATACTG-3'
Protein context (NP_068749.3, residues 507-527): ELQKDLVDDF[Arg517Thr]IRLTQVMKEE

ClinVar aggregate classification (germline): Uncertain significance (1 of 4 stars; one submission).

Submission:

Ambry Genetics
Classification: Uncertain significance. Last evaluated: 2022-04-22. Review status: criteria provided, single submitter. Criteria: Ambry Variant Classification Scheme 2023. Collection method: clinical testing. Allele origin: germline.
Comment: The p.R517T variant (also known as c.1550G>C), located in coding exon 11 of the RINT1 gene, results from a G to C substitution at nucleotide position 1550. The arginine at codon 517 is replaced by threonine, an amino acid with similar properties. This amino acid position is conserved. In addition, the in silico prediction for this alteration is inconclusive. Since supporting evidence is limited at this time, the clinical significance of this alteration remains unclear.